The following is an entry in ClinVar:

ClinVar aggregate classification (germline): Uncertain significance (1 of 4 stars; one submission).

Conditions:
GNPTG-mucolipidosis. Also called: ML III GAMMA; ML IIIC; Mucolipidosis type III gamma; MUCOLIPIDOSIS III, COMPLEMENTATION GROUP C; MUCOLIPIDOSIS III, IRANIAN VARIANT FORM; MUCOLIPIDOSIS III, VARIANT FORM. Identifiers: Orphanet 423470, Orphanet 577, MedGen C1854896, MONDO:0009652, OMIM 252605.

Allele frequency attached by ClinVar (database versions not stated): gnomAD exomes 0.00001 and 0.00002; TOPMed 0.00002.
gnomAD v4.1: 33 of 1,548,242 alleles (0.0021%); highest among the groups gnomAD compares: Non-Finnish European, 0.0024%; no homozygotes.

Submission:

Illumina Laboratory Services, Illumina
Classification: Uncertain significance for GNPTG-mucolipidosis. Last evaluated: 2017-04-27. Review status: criteria provided, single submitter. Criteria: ICSL Variant Classification Criteria 13 December 2019. Collection method: clinical testing. Allele origin: germline.
Comment: This variant was observed as part of a predisposition screen in an ostensibly healthy population. A literature search was performed for the gene, cDNA change, and amino acid change (where applicable). Publications were found based on this search. However, the evidence from the literature, in combination with allele frequency data from public databases where available, was not sufficient to rule this variant in or out of causing disease. Therefore, this variant is classified as a variant of unknown significance.

Literature cited by the submitters: PubMed 23430803.

NM_032520.5(GNPTG):c.160G>A (p.Asp54Asn)

Gene: GNPTG (N-acetylglucosamine-1-phosphate transferase subunit gamma; plus strand). Cytogenetic location: 16p13.3.
Variant type: single nucleotide variant.
Coding change: c.160G>A on transcript NM_032520.5 (MANE Select); coding-DNA position 160, G replaced by A.
Protein change: p.Asp54Asn; replaces aspartic acid 54 with asparagine.
Molecular consequence: missense variant.
Genome position (GRCh38, 1-based): chr16:1,352,288, G>A. VCF-style: chr16-1352288-G-A. GRCh37 (hg19) VCF-style: chr16-1402289-G-A.
Other names: short protein forms D54N.
Identifiers: ClinVar variation 888038 (VCV000888038.4), dbSNP rs901250980, ClinGen allele CA276642986.